The following is an entry in ClinVar:

ClinVar aggregate classification (germline): Uncertain significance (1 of 4 stars; one submission).

gnomAD v4.1: 4 of 1,608,624 alleles (0.00025%); highest among the groups gnomAD compares: Non-Finnish European, 0.00034%; no homozygotes.

Submission:

Labcorp Genetics (formerly Invitae), Labcorp
Classification: Uncertain significance. Last evaluated: 2024-06-09. Review status: criteria provided, single submitter. Criteria: Invitae Variant Classification Sherloc (09022015). Collection method: clinical testing. Allele origin: germline.
Comment: This sequence change replaces methionine, which is neutral and non-polar, with valine, which is neutral and non-polar, at codon 472 of the DNA2 protein (p.Met472Val). This variant is present in population databases (rs778054839, gnomAD 0.0009%). This variant has not been reported in the literature in individuals affected with DNA2-related conditions. Experimental studies and prediction algorithms are not available or were not evaluated, and the functional significance of this variant is currently unknown. Algorithms developed to predict the effect of sequence changes on RNA splicing suggest that this variant may disrupt the consensus splice site. In summary, the available evidence is currently insufficient to determine the role of this variant in disease. Therefore, it has been classified as a Variant of Uncertain Significance.

NM_001080449.3(DNA2):c.1414A>G (p.Met472Val)

Gene: DNA2 (DNA replication helicase/nuclease 2; minus strand). Cytogenetic location: 10q21.3.
Variant type: single nucleotide variant.
Coding change: c.1414A>G on transcript NM_001080449.3 (MANE Select); coding-DNA position 1414, A replaced by G.
Protein change: p.Met472Val; replaces methionine 472 with valine.
Molecular consequence: missense variant. On other transcripts: non-coding transcript variant (1).
Genome position (GRCh38, 1-based): chr10:68,442,918, T>C on the plus strand (A>G on the coding strand, the complement: DNA2 is on the minus strand). VCF-style: chr10-68442918-T-C. GRCh37 (hg19) VCF-style: chr10-70202675-T-C.
Other names: short protein forms M472V.
Identifiers: ClinVar variation 3614122 (VCV003614122.2).